The following is an entry in ClinVar:

NM_002206.3(ITGA7):c.285G>T (p.Pro95=)

Gene: ITGA7 (integrin subunit alpha 7; minus strand). Cytogenetic location: 12q13.2.
Variant type: single nucleotide variant.
Coding change: c.285G>T on transcript NM_002206.3 (MANE Select); coding-DNA position 285, G replaced by T.
Protein change: p.Pro95=; no amino-acid change (proline 95 retained).
Molecular consequence: synonymous variant. On other transcripts: 5 prime UTR variant (3), intron variant (1).
Genome position (GRCh38, 1-based): chr12:55,703,100, C>A on the plus strand (G>T on the coding strand, the complement: ITGA7 is on the minus strand). VCF-style: chr12-55703100-C-A. GRCh37 (hg19) VCF-style: chr12-56096884-C-A.
Other names: p.Pro95=; c.285G>T, p.Pro95= (NM_001144996.2, NM_001374465.1, NM_001410977.1 and 6 more transcripts); c.-55G>T (NM_001367993.1, NM_001414035.1); c.-888G>T (NM_001367994.1); c.86-1684G>T (NM_001144997.2).
Identifiers: ClinVar variation 129293 (VCV000129293.21), dbSNP rs17854601, ClinGen allele CA153200.
Genomic context (GRCh38, chr12:55,703,100, plus strand): 5'-CAGGGCCACACCTCCCTGGTCGATGTCCACTCTGTAGCAGTCAGTCTCCTCCAGGCTCAA[C>A]GGGCAAGCGAAGAGGCCTCCAGTGCGATTCGCCTGCTGCCCAGGAAGAGCCAGGGCCTGG-3'
Protein context (NP_002197.2, residues 85-105): ANRTGGLFAC[Pro95=]LSLEETDCYR

ClinVar aggregate classification (germline): Benign. Review status: criteria provided, multiple submitters, no conflicts (2 of 4 stars). 7 submissions from 7 submitters: Benign (6). 1 of the submissions does not count toward it. Last evaluated 2026-02-01.

Conditions:
Congenital muscular dystrophy due to integrin alpha-7 deficiency. Also called: Congenital muscular dystrophy with integrin alpha-7 deficiency; Muscular dystrophy, congenital, due to ITGA7 deficiency; MYOPATHY, CONGENITAL, DUE TO INTEGRIN ALPHA-7 DEFICIENCY. Identifiers: Orphanet 34520, MedGen C2750786, MONDO:0013177, OMIM 613204.

Allele frequency attached by ClinVar (database versions not stated): 1000 Genomes Project 0.01178; 1000 Genomes Project 30x 0.01218; TOPMed 0.01786; ESP Exome Variant Server 0.02030.
gnomAD v4.1: 37,113 of 1,614,030 alleles (2.3%); highest among the groups gnomAD compares: Non-Finnish European, 2.6%; 523 homozygotes.

Submissions (7):

Labcorp Genetics (formerly Invitae), Labcorp
Classification: Benign for Congenital muscular dystrophy due to integrin alpha-7 deficiency. Last evaluated: 2026-02-01. Review status: criteria provided, single submitter. Criteria: Invitae Variant Classification Sherloc (09022015). Collection method: clinical testing. Allele origin: germline.

Athena Diagnostics
Classification: Benign. Last evaluated: 2024-08-21. Review status: criteria provided, single submitter. Criteria: Athena Diagnostics Criteria. Collection method: clinical testing. Allele origin: unknown.

Mayo Clinic Laboratories, Mayo Clinic
Classification: Benign. Last evaluated: 2022-12-20. Review status: criteria provided, single submitter. Criteria: ACMG Guidelines, 2015. Collection method: clinical testing. Allele origin: germline. Observed: 33 variant alleles.

GeneDx
Classification: Benign. Last evaluated: 2016-02-08. Review status: criteria provided, single submitter. Criteria: GeneDx Variant Classification (06012015). Collection method: clinical testing. Allele origin: germline. Affected: yes.
Comment: This variant is considered likely benign or benign based on one or more of the following criteria: it is a conservative change, it occurs at a poorly conserved position in the protein, it is predicted to be benign by multiple in silico algorithms, and/or has population frequency not consistent with disease.

Breakthrough Genomics
Classification: Benign. Review status: criteria provided, single submitter. Criteria: ACMG Guidelines, 2015. Collection method: not provided. Allele origin: germline. Inheritance: Autosomal recessive inheritance. Affected: yes.

PreventionGenetics, part of Exact Sciences
Classification: Benign. Review status: criteria provided, single submitter. Criteria: ACMG Guidelines, 2015. Collection method: clinical testing. Allele origin: germline.

Genetic Services Laboratory, University of Chicago
Classification: Likely benign for AllHighlyPenetrant. Review status: no assertion criteria provided. Collection method: clinical testing. Allele origin: germline. Inheritance: Autosomal recessive inheritance. Not counted in ClinVar's aggregate classification.
Comment: Likely benign based on allele frequency in 1000 Genomes Project or ESP global frequency and its presence in a patient with a rare or unrelated disease phenotype. NOT Sanger confirmed.

Literature cited by the submitters: PubMed 12057917 (cited by Athena Diagnostics).